The following is an entry in ClinVar:

NM_016529.6(ATP8A2):c.1128C>T (p.Ile376=)

Gene: ATP8A2 (ATPase phospholipid transporting 8A2). Cytogenetic location: 13q12.13.
Variant type: single nucleotide variant.
Coding change: c.1128C>T on transcript NM_016529.6 (MANE Select); coding-DNA position 1128, C replaced by T.
Protein change: p.Ile376=; no amino-acid change (isoleucine 376 retained).
Molecular consequence: synonymous variant.
Genome position (GRCh38, 1-based): chr13:25,553,863, C>T. VCF-style: chr13-25553863-C-T. GRCh37 (hg19) VCF-style: chr13-26128001-C-T.
Other names: c.1008C>T, p.Ile336= (NM_001313741.1); c.1128C>T, p.Ile376= (NM_001411005.1, NM_001411006.1); c.1128C>T (NM_016529.5).
Identifiers: ClinVar variation 2764494 (VCV002764494.5), dbSNP rs546968533, ClinGen allele CA6922800.

ClinVar aggregate classification (germline): Likely benign. Review status: criteria provided, single submitter (1 of 4 stars). 2 submissions from 2 submitters: Likely benign (1). 1 of the submissions does not count toward it. Last evaluated 2023-07-08.

Conditions:
ATP8A2-related disorder. Also called: ATP8A2-related condition.

Allele frequency attached by ClinVar (database versions not stated): gnomAD exomes 0.00003; TOPMed 0.00003; ExAC 0.00007; gnomAD 0.00007; 1000 Genomes Project 30x 0.00109; 1000 Genomes Project 0.00140.
gnomAD v4.1: 51 of 1,613,076 alleles (0.0032%); highest among the groups gnomAD compares: East Asian, 0.098%; no homozygotes.

Submissions (2):

Labcorp Genetics (formerly Invitae), Labcorp
Classification: Likely benign. Last evaluated: 2023-07-08. Review status: criteria provided, single submitter. Criteria: Invitae Variant Classification Sherloc (09022015). Collection method: clinical testing. Allele origin: germline.

PreventionGenetics, part of Exact Sciences
Classification: Likely benign for ATP8A2-related condition. Last evaluated: 2019-04-02. Review status: no assertion criteria provided. Collection method: clinical testing. Allele origin: germline. Not counted in ClinVar's aggregate classification.
Comment: This variant is classified as likely benign based on ACMG/AMP sequence variant interpretation guidelines (Richards et al. 2015 PMID: 25741868, with internal and published modifications).